The following is an entry in ClinVar:

ClinVar aggregate classification (germline): Uncertain significance. Review status: criteria provided, multiple submitters, no conflicts (2 of 4 stars). 3 submissions from 3 submitters: Uncertain significance (3). Last evaluated 2024-04-25.

Conditions:
Cardiomyopathy (CMYO). Also called: Cardiomyopathies. Identifiers: Orphanet 167848, MedGen C0878544, MONDO:0004994, HP:0001638. Inheritance: Various modes of inheritance.
Charcot-Marie-Tooth disease type 2. Also called: Charcot-Marie-Tooth type 2. Identifiers: Orphanet 64746, MedGen C0270914, MONDO:0018993.

Submissions (3):

Labcorp Genetics (formerly Invitae), Labcorp
Classification: Uncertain significance for Charcot-Marie-Tooth disease type 2. Last evaluated: 2024-04-25. Review status: criteria provided, single submitter. Criteria: Invitae Variant Classification Sherloc (09022015). Collection method: clinical testing. Allele origin: germline.
Comment: This sequence change falls in intron 4 of the LMNA gene. It does not directly change the encoded amino acid sequence of the LMNA protein. It affects a nucleotide within the consensus splice site. This variant is not present in population databases (gnomAD no frequency). This variant has not been reported in the literature in individuals affected with LMNA-related conditions. ClinVar contains an entry for this variant (Variation ID: 435766). Variants that disrupt the consensus splice site are a relatively common cause of aberrant splicing (PMID: 17576681, 9536098). Algorithms developed to predict the effect of sequence changes on RNA splicing suggest that this variant is not likely to affect RNA splicing. In summary, the available evidence is currently insufficient to determine the role of this variant in disease. Therefore, it has been classified as a Variant of Uncertain Significance.

Color Diagnostics, LLC DBA Color Health
Classification: Uncertain significance for Cardiomyopathy. Last evaluated: 2024-01-16. Review status: criteria provided, single submitter. Criteria: ACMG Guidelines, 2015. Collection method: clinical testing. Allele origin: germline.
Comment: This variant causes a C to G nucleotide substitution at the +4 position of intron 4 of the LMNA gene. To our knowledge, functional studies have not been reported for this variant. This variant has not been reported in individuals affected with LMNA-related disorders in the literature. This variant has not been identified in the general population by the Genome Aggregation Database (gnomAD). The available evidence is insufficient to determine the role of this variant in disease conclusively. Therefore, this variant is classified as a Variant of Uncertain Significance.

Genetic Services Laboratory, University of Chicago
Classification: Uncertain significance. Last evaluated: 2017-03-03. Review status: criteria provided, single submitter. Criteria: ACMG Guidelines, 2015. Collection method: clinical testing. Allele origin: germline. Affected: no.

Literature cited by the submitters: PubMed 17576681 (cited by Labcorp Genetics (formerly Invitae), Labcorp); PubMed 9536098 (cited by Labcorp Genetics (formerly Invitae), Labcorp).

NM_170707.4(LMNA):c.810+4C>G

Gene: LMNA (lamin A/C; plus strand). Cytogenetic location: 1q22.
Variant type: single nucleotide variant.
Coding change: c.810+4C>G on transcript NM_170707.4 (MANE Select); 4 bases into the intron after coding-DNA position 810, C replaced by G.
Molecular consequence: intron variant.
Genome position (GRCh38, 1-based): chr1:156,134,979, C>G. VCF-style: chr1-156134979-C-G. GRCh37 (hg19) VCF-style: chr1-156104770-C-G.
Other names: c.810+4C>G (NM_001282625.2, NM_001282626.2, NM_170708.4 and 1 more transcripts); c.474+4C>G (NM_001257374.3); c.567+4C>G (NM_001282624.2).
Identifiers: ClinVar variation 435766 (VCV000435766.16), dbSNP rs780196737, ClinGen allele CA645372478.
Genomic context (GRCh38, chr1:156,134,979, plus strand): 5'-CATGAGGACCAGGTGGAGCAGTATAAGAAGGAGCTGGAGAAGACTTATTCTGCCAAGGTG[C>G]TTGCTCTCGATTGGTTCCCTCACTGCCTCTGCCCTTGGCAGCCCTACCCTTACCCACGCT-3'